The following continues an entry in ClinVar:

NM_007294.4(BRCA1):c.5175A>G (p.Glu1725=)

Gene: BRCA1. ClinVar aggregate classification (germline): Likely benign. Likely benign (1).

Submissions 16 to 25 of 25:

Women's Health and Genetics/Laboratory Corporation of America, LabCorp
Classification: Likely benign. Last evaluated: 2017-03-17. Review status: criteria provided, single submitter. Criteria: LabCorp Variant Classification Summary - May 2015. Collection method: clinical testing. Allele origin: germline. Not counted in ClinVar's aggregate classification.
Comment: Variant summary: The BRCA1 c.5175A>G (p.Glu1725Glu) variant involves the alteration of a conserved nucleotide causing a synonymous change, which 5/5 splice prediction tools predict no significant impact on normal splicing or ESE binding. A functional study, Quiles_2016, support these predictions. The variant of interest was observed in the large, broad control population, ExAC, with an allele frequency of 4/120394 (1/30120), which does not exceed the estimated maximal expected allele frequency for a pathogenic BRCA1 variant of 1/1000. Multiple publications have cited the variant in affected individuals, although with limited information (ie, no co-occurrence and cosegregation data). A reputable database cites the variant in 14 individuals with a classification of "likely neutral," with 3 of the individuals carrying another pathogenic BRCA variant, 1 BRCA1, c.3839_3843delinsAGGC (p.Ser1280X) and 2 BRCA2s, c.1310_1313delAAGA (p.Lys437IlefsX22) and c.7234insG (p.Thr2412AspfsX2). In addition, multiple clinical diagnostic laboratories/reputable databases classified this variant as benign/likely benign. Therefore, taking all availble lines of evidence into consideration, the variant of interest has been classified as "likely benign."

Color Diagnostics, LLC DBA Color Health
Classification: Benign for Hereditary cancer-predisposing syndrome. Last evaluated: 2015-12-28. Review status: criteria provided, single submitter. Criteria: ACMG Guidelines, 2015. Collection method: clinical testing. Allele origin: germline. Not counted in ClinVar's aggregate classification.

GeneDx
Classification: Benign. Last evaluated: 2014-03-27. Review status: criteria provided, single submitter. Criteria: GeneDx Variant Classification (06012015). Collection method: clinical testing. Allele origin: germline. Affected: yes. Not counted in ClinVar's aggregate classification.
Comment: This variant is considered likely benign or benign based on one or more of the following criteria: it is a conservative change, it occurs at a poorly conserved position in the protein, it is predicted to be benign by multiple in silico algorithms, and/or has population frequency not consistent with disease.

University of Science and Technology Houari Boumediene, Laboratory of Molecular and Cellular Biology (LBCM)
Classification: Benign for Breast-ovarian cancer, familial, susceptibility to, 1. Review status: criteria provided, single submitter. Criteria: ACMG Guidelines, 2015. Collection method: clinical testing. Allele origin: germline. Affected: yes. Observed: 2 heterozygotes. Not counted in ClinVar's aggregate classification.

PreventionGenetics, part of Exact Sciences
Classification: Likely benign for BRCA1-related condition. Last evaluated: 2019-02-21. Review status: no assertion criteria provided. Collection method: clinical testing. Allele origin: germline. Not counted in ClinVar's aggregate classification.
Comment: This variant is classified as likely benign based on ACMG/AMP sequence variant interpretation guidelines (Richards et al. 2015 PMID: 25741868, with internal and published modifications).

Counsyl
Classification: Likely benign for Breast-ovarian cancer, familial, susceptibility to, 1. Last evaluated: 2016-05-03. Review status: no assertion criteria provided. Collection method: clinical testing. Allele origin: unknown. Not counted in ClinVar's aggregate classification.

Brotman Baty Institute, University of Washington
No classification provided (evidence only). Condition: Breast-ovarian cancer, familial 1. Review status: no classification provided. Collection method: in vitro. Allele origin: not applicable. Functional consequence: functionally_normal. Not counted in ClinVar's aggregate classification.
ClinVar note: "not provided" was previously submitted as the classification for the variant. However, the classification appeared to be based only on an observation of functional data so it was converted to no classification on 2025-07-30.

Clinical Genetics DNA and cytogenetics Diagnostics Lab, Erasmus MC, Erasmus Medical Center
Classification: Likely benign. Review status: no assertion criteria provided. Collection method: clinical testing. Allele origin: germline. Affected: yes. Study: VKGL Data-share Consensus. Not counted in ClinVar's aggregate classification.

Department of Pathology and Laboratory Medicine, Sinai Health System
Classification: Likely benign for Malignant tumor of breast. Review status: no assertion criteria provided. Collection method: clinical testing. Allele origin: unknown. Affected: yes. Study: The Canadian Open Genetics Repository (COGR). Not counted in ClinVar's aggregate classification.
Comment: The BRCA1 The p.Glu1725= variant was identified in 5 of 1304 proband chromosomes (frequency: 0.004) from Spanish and Algerian individuals or families with (familial or sporadic) breast or ovarian cancers, and was not identified in 385 control chromosomes from healthy individuals (Cherbal 2012 22684231, Uhrhammer 2008 18645608, Infante 2006 16758124, Beristain_2007_17262179). RNA transcript analysis of the variant from cultured lymphocytes showed the variant had no effect on splicing (Quiles_2016_26780556). The variant was also identified in dbSNP (ID: rs191373374) as â€šÃ„ÃºWith Likely benign allele, Uncertain Significance alleleâ€šÃ„Ã¹, the ClinVar database (classified benign, reviewed by an expert panel (2017); submitters: benign by GeneDX and Invitae, and likely benign by ENIGMA, Ambry Genetics and Counsyl) and Clinvitae, but was not in GeneInSight-COGR, COSMIC, MutDB, UMD, BIC, ARUP , LOVD, 1000 Genomes Project, the NHLBI GO Exome Sequencing Project, the Exome Aggregation Consortium (August 8th 2016) or the Genome Aggregation Consortium (Feb 27, 2017) control databases.. The p.Glu1725= variant is not expected to have clinical significance because it does not result in a change of amino acid and is not located in a known consensus splice site. In addition, only 1 of 5 in silico or computational prediction software programs (SpliceSiteFinder, MaxEntScan, NNSPLICE, GeneSplicer, HumanSpliceFinder) predicts a greater than 10% chance that the variant creates a cryptic 3' acceptor splice site; however, this information is not very predictive of pathogenicity. In summary, based on the above information, the clinical significance of this variant cannot be determined with certainty at this time although we would lean towards a more benign role for this variant. This variant is classified as likely benign.

Joint Genome Diagnostic Labs from Nijmegen and Maastricht, Radboudumc and MUMC+
Classification: Likely benign. Review status: no assertion criteria provided. Collection method: clinical testing. Allele origin: germline. Affected: yes. Study: VKGL Data-share Consensus. Not counted in ClinVar's aggregate classification.

Literature cited by the submitters: PubMed 36329109 (cited by Genetics Program, Instituto Nacional de Cancer); PubMed 30209399 (cited by Genetics Program, Instituto Nacional de Cancer); PubMed 18645608 (cited by 3 submitters); PubMed 20683152 (cited by 3 submitters); PubMed 16267036 (cited by Quest Diagnostics Nichols Institute San Juan Capistrano and Women's Health and Genetics/Laboratory Corporation of America, LabCorp); PubMed 16758124 (cited by 3 submitters); PubMed 17262179 (cited by 3 submitters); PubMed 26780556 (cited by 3 submitters); PubMed 21918853 (cited by Quest Diagnostics Nichols Institute San Juan Capistrano and Women's Health and Genetics/Laboratory Corporation of America, LabCorp); PubMed 22684231 (cited by 4 submitters); PubMed 10644434 (cited by Women's Health and Genetics/Laboratory Corporation of America, LabCorp).